The following is an entry in ClinVar:

NM_000059.4(BRCA2):c.9198G>T (p.Gln3066His)

Gene: BRCA2 (BRCA2 DNA repair associated; plus strand). Cytogenetic location: 13q13.1.
Variant type: single nucleotide variant.
Coding change: c.9198G>T on transcript NM_000059.4 (MANE Select); coding-DNA position 9198, G replaced by T.
Protein change: p.Gln3066His; replaces glutamine 3066 with histidine.
Molecular consequence: missense variant. On other transcripts: non-coding transcript variant (1).
Genome position (GRCh38, 1-based): chr13:32,380,087, G>T. VCF-style: chr13-32380087-G-T. GRCh37 (hg19) VCF-style: chr13-32954224-G-T.
Other names: c.9102G>T, p.Gln3034His (NM_001406719.1); c.9147G>T, p.Gln3049His (NM_001406720.1); c.4266G>T, p.Gln1422His (NM_001406721.1); c.2781G>T, p.Gln927His (NM_001406722.1); c.9198G>T, p.Gln3066His (NM_001432077.1); short protein forms Q1422H, Q3034H, Q3049H, Q3066H, Q927H.
Identifiers: ClinVar variation 4802364 (VCV004802364.1).
Genomic context (GRCh38, chr13:32,380,087, plus strand): 5'-TCAGATTTACCAGCCACGGGAGCCCCTTCACTTCAGCAAATTTTTAGATCCAGACTTTCA[G>T]CCATCTTGTTCTGAGGTGGACCTAATAGGATTTGTCGTTTCTGTTGTGAAAAAAACAGGT-3'
Protein context (NP_000050.3, residues 3056-3076): HFSKFLDPDF[Gln3066His]PSCSEVDLIG

ClinVar aggregate classification (germline): Uncertain significance (1 of 4 stars; one submission).

Conditions:
Hereditary breast ovarian cancer syndrome. Also called: Hereditary breast and ovarian cancer syndrome (HBOC); Hereditary breast and ovarian cancer; Breast and ovarian cancer; Hereditary breast and/or ovarian cancer syndrome; BRCA1- and BRCA2-Associated Hereditary Breast and Ovarian Cancer; Hereditary breast and ovarian cancer syndrome. Identifiers: Orphanet 145, MedGen C0677776, MeSH D061325, MONDO:0003582. Disease mechanism: loss of function.

Submission:

Labcorp Genetics (formerly Invitae), Labcorp
Classification: Uncertain significance for Hereditary breast ovarian cancer syndrome. Last evaluated: 2025-12-09. Review status: criteria provided, single submitter. Criteria: Invitae Variant Classification Sherloc (09022015). Collection method: clinical testing. Allele origin: germline.
Comment: This sequence change replaces glutamine, which is neutral and polar, with histidine, which is basic and polar, at codon 3066 of the BRCA2 protein (p.Gln3066His). This variant is not present in population databases (gnomAD no frequency). This variant has not been reported in the literature in individuals affected with BRCA2-related conditions. Invitae Evidence Modeling of protein sequence and biophysical properties (such as structural, functional, and spatial information, amino acid conservation, physicochemical variation, residue mobility, and thermodynamic stability) indicates that this missense variant is not expected to disrupt BRCA2 protein function with a negative predictive value of 95%. In summary, the available evidence is currently insufficient to determine the role of this variant in disease. Therefore, it has been classified as a Variant of Uncertain Significance.